The following is an entry in ClinVar:

NM_022552.5(DNMT3A):c.1829C>T (p.Ala610Val)

Gene: DNMT3A (DNA methyltransferase 3 alpha; minus strand). Cytogenetic location: 2p23.3.
Variant type: single nucleotide variant.
Coding change: c.1829C>T on transcript NM_022552.5 (MANE Select); coding-DNA position 1829, C replaced by T.
Protein change: p.Ala610Val; replaces alanine 610 with valine.
Molecular consequence: missense variant. On other transcripts: non-coding transcript variant (1).
Genome position (GRCh38, 1-based): chr2:25,244,177, G>A on the plus strand (C>T on the coding strand, the complement: DNMT3A is on the minus strand). VCF-style: chr2-25244177-G-A. GRCh37 (hg19) VCF-style: chr2-25467046-G-A.
Other names: c.1373C>T, p.Ala458Val (NM_001320893.1); c.1160C>T, p.Ala387Val (NM_001375819.1); c.1262C>T, p.Ala421Val (NM_153759.3); c.1829C>T, p.Ala610Val (NM_175629.2); short protein forms A458V, A610V, A387V, A421V.
Identifiers: ClinVar variation 4013915 (VCV004013915.1).

ClinVar aggregate classification (germline): Uncertain significance (1 of 4 stars; one submission).

Conditions:
Inborn genetic diseases. Identifiers: MedGen C0950123, MeSH D030342.

Submission:

Ambry Genetics
Classification: Uncertain significance for Inborn genetic diseases. Last evaluated: 2025-04-19. Review status: criteria provided, single submitter. Criteria: Ambry Variant Classification Scheme 2023. Collection method: clinical testing. Allele origin: germline.
Comment: The p.A610V variant (also known as c.1829C>T), located in coding exon 14 of the DNMT3A gene, results from a C to T substitution at nucleotide position 1829. The alanine at codon 610 is replaced by valine, an amino acid with similar properties. This amino acid position is conserved. In addition, this alteration is predicted to be tolerated by in silico analysis. Based on the available evidence, the clinical significance of this variant remains unclear.